The following is an entry in ClinVar:

NM_000142.5(FGFR3):c.2345C>T (p.Ser782Phe)

Gene: FGFR3 (fibroblast growth factor receptor 3; plus strand). Cytogenetic location: 4p16.3.
Variant type: single nucleotide variant.
Coding change: c.2345C>T on transcript NM_000142.5 (MANE Select); coding-DNA position 2345, C replaced by T.
Protein change: p.Ser782Phe; replaces serine 782 with phenylalanine.
Molecular consequence: missense variant. On other transcripts: synonymous variant (1), non-coding transcript variant (1).
Genome position (GRCh38, 1-based): chr4:1,807,186, C>T. VCF-style: chr4-1807186-C-T. GRCh37 (hg19) VCF-style: chr4-1808913-C-T.
Other names: c.2351C>T, p.Ser784Phe (NM_001163213.2); c.2348C>T, p.Ser783Phe (NM_001354809.2); c.2277C>T, p.Leu759= (NM_001354810.2); c.2009C>T, p.Ser670Phe (NM_022965.4); short protein forms S670F, S782F, S783F, S784F.
Identifiers: ClinVar variation 3372290 (VCV003372290.3).

ClinVar aggregate classification (germline): Uncertain significance. Review status: criteria provided, multiple submitters, no conflicts (2 of 4 stars). 2 submissions from 2 submitters: Uncertain significance (2). Last evaluated 2024-11-25.

gnomAD v4.1: 7 of 1,606,774 alleles (0.00044%); highest among the groups gnomAD compares: Admixed American, 0.005%; no homozygotes.

Submissions (2):

Labcorp Genetics (formerly Invitae), Labcorp
Classification: Uncertain significance. Last evaluated: 2024-11-25. Review status: criteria provided, single submitter. Criteria: Invitae Variant Classification Sherloc (09022015). Collection method: clinical testing. Allele origin: germline.
Comment: This sequence change replaces serine, which is neutral and polar, with phenylalanine, which is neutral and non-polar, at codon 782 of the FGFR3 protein (p.Ser782Phe). The frequency data for this variant in the population databases is considered unreliable, as metrics indicate poor data quality at this position in the gnomAD database. This variant has not been reported in the literature in individuals affected with FGFR3-related conditions. Invitae Evidence Modeling of protein sequence and biophysical properties (such as structural, functional, and spatial information, amino acid conservation, physicochemical variation, residue mobility, and thermodynamic stability) has been performed for this missense variant. However, the output from this modeling did not meet the statistical confidence thresholds required to predict the impact of this variant on FGFR3 protein function. In summary, the available evidence is currently insufficient to determine the role of this variant in disease. Therefore, it has been classified as a Variant of Uncertain Significance.

GeneDx
Classification: Uncertain significance. Last evaluated: 2024-04-10. Review status: criteria provided, single submitter. Criteria: GeneDx Variant Classification Process June 2021. Collection method: clinical testing. Allele origin: germline. Affected: yes.
Comment: In silico analysis supports that this missense variant has a deleterious effect on protein structure/function; Has not been previously published as pathogenic or benign to our knowledge